The following is an entry in ClinVar:

ClinVar aggregate classification (germline): Uncertain significance. Review status: criteria provided, multiple submitters, no conflicts (2 of 4 stars). 2 submissions from 2 submitters: Uncertain significance (2). Last evaluated 2024-11-14.

Conditions:
Specific granule deficiency. Identifiers: Orphanet 169142, MedGen C0398593, MONDO:0009506.
Inborn genetic diseases. Identifiers: MedGen C0950123, MeSH D030342.

Allele frequency attached by ClinVar (database versions not stated): TOPMed 0.00001; gnomAD exomes 0.00001; gnomAD 0.00001; ExAC 0.00002.

Submissions (2):

Ambry Genetics
Classification: Uncertain significance for Inborn genetic diseases. Last evaluated: 2024-11-14. Review status: criteria provided, single submitter. Criteria: Ambry Variant Classification Scheme 2023. Collection method: clinical testing. Allele origin: germline.

Labcorp Genetics (formerly Invitae), Labcorp
Classification: Uncertain significance for Specific granule deficiency. Last evaluated: 2024-05-26. Review status: criteria provided, single submitter. Criteria: Invitae Variant Classification Sherloc (09022015). Collection method: clinical testing. Allele origin: germline.
Comment: This sequence change replaces threonine, which is neutral and polar, with serine, which is neutral and polar, at codon 175 of the CEBPE protein (p.Thr175Ser). This variant is present in population databases (rs758115639, gnomAD 0.002%). This variant has not been reported in the literature in individuals affected with CEBPE-related conditions. ClinVar contains an entry for this variant (Variation ID: 1045817). Algorithms developed to predict the effect of missense changes on protein structure and function output the following: SIFT: "Not Available"; PolyPhen-2: "Benign"; Align-GVGD: "Not Available". The serine amino acid residue is found in multiple mammalian species, which suggests that this missense change does not adversely affect protein function. In summary, the available evidence is currently insufficient to determine the role of this variant in disease. Therefore, it has been classified as a Variant of Uncertain Significance.

NM_001805.4(CEBPE):c.524C>G (p.Thr175Ser)

Gene: CEBPE (CCAAT enhancer binding protein epsilon; minus strand). Cytogenetic location: 14q11.2.
Variant type: single nucleotide variant.
Coding change: c.524C>G on transcript NM_001805.4 (MANE Select); coding-DNA position 524, C replaced by G.
Protein change: p.Thr175Ser; replaces threonine 175 with serine.
Molecular consequence: missense variant.
Genome position (GRCh38, 1-based): chr14:23,117,809, G>C on the plus strand (C>G on the coding strand, the complement: CEBPE is on the minus strand). VCF-style: chr14-23117809-G-C. GRCh37 (hg19) VCF-style: chr14-23587018-G-C.
Other names: c.524C>G (NM_001805.2); short protein forms T175S.
Identifiers: ClinVar variation 1045817 (VCV001045817.8), dbSNP rs758115639, ClinGen allele CA7111162.